The following is an entry in ClinVar:

NM_000179.3(MSH6):c.2236T>C (p.Phe746Leu)

Gene: MSH6 (mutS homolog 6; plus strand). Cytogenetic location: 2p16.3.
Variant type: single nucleotide variant.
Coding change: c.2236T>C on transcript NM_000179.3 (MANE Select); coding-DNA position 2236, T replaced by C.
Protein change: p.Phe746Leu; replaces phenylalanine 746 with leucine.
Molecular consequence: missense variant.
Genome position (GRCh38, 1-based): chr2:47,800,219, T>C. VCF-style: chr2-47800219-T-C. GRCh37 (hg19) VCF-style: chr2-48027358-T-C.
Other names: c.1846T>C, p.Phe616Leu (NM_001281492.2); c.1330T>C, p.Phe444Leu (NM_001281493.2, NM_001281494.2); short protein forms F746L, F444L, F616L.
Identifiers: ClinVar variation 525835 (VCV000525835.12), dbSNP rs1553413604, ClinGen allele CA346752552.

ClinVar aggregate classification (germline): Uncertain significance. Review status: criteria provided, multiple submitters, no conflicts (2 of 4 stars). 2 submissions from 2 submitters: Uncertain significance (2). Last evaluated 2025-12-01.

Conditions:
Hereditary nonpolyposis colorectal neoplasms. Identifiers: MedGen C0009405, MeSH D003123.
Hereditary cancer-predisposing syndrome. Also called: Neoplastic Syndromes, Hereditary; Tumor predisposition; Hereditary Cancer Syndrome; Hereditary neoplastic syndrome. Identifiers: Orphanet 140162, MedGen C0027672, MeSH D009386, MONDO:0015356.

Submissions (2):

Labcorp Genetics (formerly Invitae), Labcorp
Classification: Uncertain significance for Hereditary nonpolyposis colorectal neoplasms. Last evaluated: 2025-12-01. Review status: criteria provided, single submitter. Criteria: Invitae Variant Classification Sherloc (09022015). Collection method: clinical testing. Allele origin: germline.
Comment: This sequence change replaces phenylalanine, which is neutral and non-polar, with leucine, which is neutral and non-polar, at codon 746 of the MSH6 protein (p.Phe746Leu). This variant is not present in population databases (gnomAD no frequency). This variant has not been reported in the literature in individuals affected with MSH6-related conditions. ClinVar contains an entry for this variant (Variation ID: 525835). Invitae Evidence Modeling of protein sequence and biophysical properties (such as structural, functional, and spatial information, amino acid conservation, physicochemical variation, residue mobility, and thermodynamic stability) indicates that this missense variant is not expected to disrupt MSH6 protein function with a negative predictive value of 95%. In summary, the available evidence is currently insufficient to determine the role of this variant in disease. Therefore, it has been classified as a Variant of Uncertain Significance.

Ambry Genetics
Classification: Uncertain significance for Hereditary cancer-predisposing syndrome. Last evaluated: 2025-08-25. Review status: criteria provided, single submitter. Criteria: Ambry Variant Classification Scheme 2023. Collection method: clinical testing. Allele origin: germline.
Comment: The p.F746L variant (also known as c.2236T>C), located in coding exon 4 of the MSH6 gene, results from a T to C substitution at nucleotide position 2236. The phenylalanine at codon 746 is replaced by leucine, an amino acid with highly similar properties. This amino acid position is conserved. In addition, this alteration is predicted to be tolerated by in silico analysis. Since supporting evidence is limited at this time, the clinical significance of this alteration remains unclear.